The following is an entry in ClinVar:

NM_020297.4(ABCC9):c.7C>G (p.Leu3Val)

Gene: ABCC9 (ATP binding cassette subfamily C member 9; minus strand). Cytogenetic location: 12p12.1.
Variant type: single nucleotide variant.
Coding change: c.7C>G on transcript NM_020297.4 (MANE Select); coding-DNA position 7, C replaced by G.
Protein change: p.Leu3Val; replaces leucine 3 with valine.
Molecular consequence: missense variant. On other transcripts: 5 prime UTR variant (1).
Genome position (GRCh38, 1-based): chr12:21,936,668, G>C on the plus strand (C>G on the coding strand, the complement: ABCC9 is on the minus strand). VCF-style: chr12-21936668-G-C. GRCh37 (hg19) VCF-style: chr12-22089602-G-C.
Other names: c.7C>G, p.Leu3Val (NM_001377273.1, NM_005691.4); c.-448C>G (NM_001377274.1); short protein forms L3V.
Identifiers: ClinVar variation 962275 (VCV000962275.11), dbSNP rs976596252, ClinGen allele CA233626974.

ClinVar aggregate classification (germline): Uncertain significance. Review status: criteria provided, multiple submitters, no conflicts (2 of 4 stars). 2 submissions from 2 submitters: Uncertain significance (2). Last evaluated 2025-02-23.

Conditions:
Dilated cardiomyopathy 1O (CMD1O). Also called: CARDIOMYOPATHY, DILATED, WITH VENTRICULAR TACHYCARDIA. Identifiers: Orphanet 154, MedGen C1837839, MONDO:0012062, OMIM 608569.
Intellectual disability and myopathy syndrome (IDMYS). Identifiers: MedGen C5676904, MONDO:0859224, OMIM 619719.
Hypertrichotic osteochondrodysplasia Cantu type. Also called: Cantú Syndrome; Cantu Syndrome. Identifiers: Orphanet 1517, MedGen C0795905, MONDO:0009406, OMIM 239850.
Atrial fibrillation, familial, 12 (ATFB12). Identifiers: MedGen C3279695, MONDO:0013545, OMIM 614050.

Allele frequency attached by ClinVar (database versions not stated): TOPMed below 0.00001.
gnomAD v4.1: 2 of 1,608,990 alleles (0.00012%); highest among the groups gnomAD compares: Non-Finnish European, 0.00017%; no homozygotes.

Submissions (2):

Labcorp Genetics (formerly Invitae), Labcorp
Classification: Uncertain significance for Dilated cardiomyopathy 1O. Last evaluated: 2025-02-23. Review status: criteria provided, single submitter. Criteria: Invitae Variant Classification Sherloc (09022015). Collection method: clinical testing. Allele origin: germline.
Comment: This sequence change replaces leucine, which is neutral and non-polar, with valine, which is neutral and non-polar, at codon 3 of the ABCC9 protein (p.Leu3Val). This variant is not present in population databases (gnomAD no frequency). This variant has not been reported in the literature in individuals affected with ABCC9-related conditions. ClinVar contains an entry for this variant (Variation ID: 962275). Invitae Evidence Modeling of protein sequence and biophysical properties (such as structural, functional, and spatial information, amino acid conservation, physicochemical variation, residue mobility, and thermodynamic stability) indicates that this missense variant is expected to disrupt ABCC9 protein function with a positive predictive value of 80%. In summary, the available evidence is currently insufficient to determine the role of this variant in disease. Therefore, it has been classified as a Variant of Uncertain Significance.

Fulgent Genetics
Classification: Uncertain significance for Hypertrichotic osteochondrodysplasia Cantu type; Dilated cardiomyopathy 1O; Atrial fibrillation, familial, 12; Intellectual disability and myopathy syndrome. Last evaluated: 2021-10-14. Review status: criteria provided, single submitter. Criteria: ACMG Guidelines, 2015. Collection method: clinical testing. Allele origin: unknown.